The following is an entry in ClinVar:

NM_001145358.2(SIN3A):c.2537_2538dup (p.Ala847fs)

Gene: SIN3A (SIN3 transcription regulator family member A; minus strand). Cytogenetic location: 15q24.2.
Variant type: Duplication.
Coding change: c.2537_2538dup on transcript NM_001145358.2 (MANE Select); coding-DNA positions 2537 to 2538, 2 bases duplicated (AA; older notation c.2537_2538dupAA).
Protein change: p.Ala847fs; shifts the reading frame from alanine 847.
Molecular consequence: frameshift variant.
Genome position (GRCh38, 1-based): chr15:75,392,555-75,392,556, TT duplicated on the plus strand (AA on the coding strand, the reverse complement: SIN3A is on the minus strand). VCF-style (leftmost placement, unchanged base first): chr15-75392554-C-CTT. GRCh37 (hg19) VCF-style: chr15-75684895-C-CTT.
Other names: c.2537_2538dup, p.Ala847fs (NM_001145357.2, NM_015477.3); short protein forms A847fs.
Identifiers: ClinVar variation 3774322 (VCV003774322.2).

ClinVar aggregate classification (germline): Pathogenic (1 of 4 stars; one submission).

Conditions:
SIN3A-related intellectual disability syndrome due to a point mutation. Also called: 15q24 Microdeletion Syndrome; WITTEVEEN-KOLK SYNDROME. Identifiers: Orphanet 500166, Orphanet 94065, MedGen C4310804, MONDO:0044700, OMIM 613406.

Submission:

Suma Genomics
Classification: Pathogenic for SIN3A-related intellectual disability syndrome due to a point mutation. Review status: criteria provided, single submitter. Criteria: ACMG Guidelines, 2015. Collection method: clinical testing. Allele origin: de novo. Inheritance: Autosomal dominant inheritance. Affected: yes. Observed: 1 heterozygote.
Comment: A novel frameshift variant c.2537_2538dup, p.(Ala847LysfsTer31) is observed in exon 15 of SIN3A in heterozygous state. This variant is not observed in parents and the gnomAD database. ACMG classification: Pathogenic Criteria met: PVS1: Null Variant PM2_Supporting: Not observed in population databases. PM6: De novo without confirming paternity and maternity